The following is an entry in ClinVar:

NM_001318895.3(FHL2):c.629T>C (p.Leu210Pro)

Genes: C2orf49 (chromosome 2 open reading frame 49; plus strand), FHL2 (four and a half LIM domains 2; minus strand). Cytogenetic location: 2q12.2.
Variant type: single nucleotide variant.
Coding change: c.629T>C on transcript NM_001318895.3 (MANE Select); coding-DNA position 629, T replaced by C.
Protein change: p.Leu210Pro; replaces leucine 210 with proline.
Molecular consequence: missense variant.
Genome position (GRCh38, 1-based): chr2:105,363,344, A>G on the plus strand (T>C on the coding strand, the complement: FHL2 is on the minus strand). VCF-style: chr2-105363344-A-G. GRCh37 (hg19) VCF-style: chr2-105979801-A-G.
Other names: c.629T>C, p.Leu210Pro (NM_001039492.3, NM_001318894.1, NM_001318896.2 and 4 more transcripts); c.287T>C, p.Leu96Pro (NM_001318897.2, NM_001318898.2); c.305T>C, p.Leu102Pro (NM_001318899.2); short protein forms L210P, L102P, L96P.
Identifiers: ClinVar variation 3638925 (VCV003638925.2).
Genomic context (GRCh38, chr2:105,363,344, plus strand): 5'-CCGCTGATGGGGTTGGTGCACCCAGCACACTTCTTGGCATACAAGTCACAGAAGCAGTTC[A>G]GGCAGTAGGCAAAGTCATCGCGAGCTGTGAAGCGCTGCCCAGACAGCTGCTTCCTGCAGG-3'
Protein context (NP_001305824.1, residues 200-220): FTARDDFAYC[Leu210Pro]NCFCDLYAKK

ClinVar aggregate classification (germline): Uncertain significance (1 of 4 stars; one submission).

Conditions:
Primary dilated cardiomyopathy (DCM). Also called: Dilated Cardiomyopathy. Identifiers: Orphanet 217604, MedGen C0007193, MeSH D002311, MONDO:0005021, HP:0001644. Inheritance: Various modes of inheritance.

gnomAD v4.1: 2 of 1,614,088 alleles (0.00012%); highest among the groups gnomAD compares: East Asian, 0.0045%; no homozygotes.

Submission:

Labcorp Genetics (formerly Invitae), Labcorp
Classification: Uncertain significance for Primary dilated cardiomyopathy. Last evaluated: 2024-09-02. Review status: criteria provided, single submitter. Criteria: Invitae Variant Classification Sherloc (09022015). Collection method: clinical testing. Allele origin: germline.
Comment: This sequence change replaces leucine, which is neutral and non-polar, with proline, which is neutral and non-polar, at codon 210 of the FHL2 protein (p.Leu210Pro). This variant is present in population databases (no rsID available, gnomAD 0.006%). This variant has not been reported in the literature in individuals affected with FHL2-related conditions. Invitae Evidence Modeling of protein sequence and biophysical properties (such as structural, functional, and spatial information, amino acid conservation, physicochemical variation, residue mobility, and thermodynamic stability) indicates that this missense variant is not expected to disrupt FHL2 protein function with a negative predictive value of 80%. In summary, the available evidence is currently insufficient to determine the role of this variant in disease. Therefore, it has been classified as a Variant of Uncertain Significance.